The following is an entry in ClinVar:

NM_002878.4(RAD51D):c.31G>C (p.Gly11Arg)

Genes: RAD51D (RAD51 paralog D; minus strand), RAD51L3-RFFL (RAD51L3-RFFL readthrough; minus strand). Cytogenetic location: 17q12.
Variant type: single nucleotide variant.
Coding change: c.31G>C on transcript NM_002878.4 (MANE Select); coding-DNA position 31, G replaced by C.
Protein change: p.Gly11Arg; replaces glycine 11 with arginine.
Molecular consequence: missense variant. On other transcripts: non-coding transcript variant (2).
Genome position (GRCh38, 1-based): chr17:35,119,583, C>G on the plus strand (G>C on the coding strand, the complement: RAD51D is on the minus strand). VCF-style: chr17-35119583-C-G. GRCh37 (hg19) VCF-style: chr17-33446602-C-G.
Other names: c.31G>C, p.Gly11Arg (NM_001142571.2, NM_133629.3); short protein forms G11R.
Identifiers: ClinVar variation 484768 (VCV000484768.18), dbSNP rs776471760, ClinGen allele CA399092509.

ClinVar aggregate classification (germline): Uncertain significance. Review status: criteria provided, multiple submitters, no conflicts (2 of 4 stars). 4 submissions from 4 submitters: Uncertain significance (4). Last evaluated 2025-03-03.

Conditions:
Hereditary cancer-predisposing syndrome. Also called: Neoplastic Syndromes, Hereditary; Tumor predisposition; Hereditary Cancer Syndrome; Hereditary neoplastic syndrome. Identifiers: Orphanet 140162, MedGen C0027672, MeSH D009386, MONDO:0015356.
Breast-ovarian cancer, familial, susceptibility to, 4. Identifiers: Orphanet 145, MedGen C3280345, MONDO:0013669, OMIM 614291.

Allele frequency attached by ClinVar (database versions not stated): TOPMed 0.00001.
gnomAD v4.1: 1 of 1,612,580 alleles (0.000062%); highest among the groups gnomAD compares: Non-Finnish European, 0.000085%; no homozygotes.

Submissions (4):

Labcorp Genetics (formerly Invitae), Labcorp
Classification: Uncertain significance for Breast-ovarian cancer, familial, susceptibility to, 4. Last evaluated: 2025-03-03. Review status: criteria provided, single submitter. Criteria: Invitae Variant Classification Sherloc (09022015). Collection method: clinical testing. Allele origin: germline.
Comment: This sequence change replaces glycine, which is neutral and non-polar, with arginine, which is basic and polar, at codon 11 of the RAD51D protein (p.Gly11Arg). This variant is not present in population databases (gnomAD no frequency). This variant has not been reported in the literature in individuals affected with RAD51D-related conditions. ClinVar contains an entry for this variant (Variation ID: 484768). An algorithm developed to predict the effect of missense changes on protein structure and function (PolyPhen-2) suggests that this variant is likely to be disruptive. In summary, the available evidence is currently insufficient to determine the role of this variant in disease. Therefore, it has been classified as a Variant of Uncertain Significance.

Color Diagnostics, LLC DBA Color Health
Classification: Uncertain significance for Hereditary cancer-predisposing syndrome. Last evaluated: 2025-02-25. Review status: criteria provided, single submitter. Criteria: ACMG Guidelines, 2015. Collection method: clinical testing. Allele origin: germline.
Comment: This missense variant replaces glycine with arginine at codon 11 of the RAD51D protein. To our knowledge, functional studies have not been reported for this variant. This variant has not been reported in individuals affected with RAD51D-related disorders in the literature. This variant has not been identified in the general population by the Genome Aggregation Database (gnomAD). The available evidence is insufficient to determine the role of this variant in disease conclusively. Therefore, this variant is classified as a Variant of Uncertain Significance.

Ambry Genetics
Classification: Uncertain significance for Hereditary cancer-predisposing syndrome. Last evaluated: 2024-05-07. Review status: criteria provided, single submitter. Criteria: Ambry Variant Classification Scheme 2023. Collection method: clinical testing. Allele origin: germline.
Comment: The p.G11R variant (also known as c.31G>C), located in coding exon 1 of the RAD51D gene, results from a G to C substitution at nucleotide position 31. The glycine at codon 11 is replaced by arginine, an amino acid with dissimilar properties. This amino acid position is highly conserved in available vertebrate species. In addition, the in silico prediction for this alteration is inconclusive. Since supporting evidence is limited at this time, the clinical significance of this alteration remains unclear.

Baylor Genetics
Classification: Uncertain significance for Breast-ovarian cancer, familial, susceptibility to, 4. Last evaluated: 2024-03-24. Review status: criteria provided, single submitter. Criteria: ACMG Guidelines, 2015. Collection method: clinical testing. Allele origin: unknown.